The following is an entry in ClinVar:

ClinVar aggregate classification (germline): Likely pathogenic. Review status: criteria provided, multiple submitters, no conflicts (2 of 4 stars). 4 submissions from 3 submitters: Likely pathogenic (2). 2 of the submissions do not count toward it. Last evaluated 2024-08-30.

Conditions:
Anemia, nonspherocytic hemolytic, due to G6PD deficiency (CNSHA1). Also called: Hemolytic anemia due to G6PD deficiency; Class I glucose-6-phosphate dehydrogenase deficiency; Favism, susceptibility to; ANEMIA, CONGENITAL, NONSPHEROCYTIC HEMOLYTIC, 1. Identifiers: Orphanet 466026, MedGen C2720289, MONDO:0010480, OMIM 300908.
G6PD SERRES.

Submissions (4):

Revvity Omics, Revvity
Classification: Likely pathogenic for Anemia, nonspherocytic hemolytic, due to G6PD deficiency. Last evaluated: 2024-08-30. Review status: criteria provided, single submitter. Criteria: ACMG Guidelines, 2015. Collection method: clinical testing. Allele origin: germline.

Dunham Lab, University of Washington
Classification: Likely pathogenic for Anemia, nonspherocytic hemolytic, due to G6PD deficiency. Last evaluated: 2022-08-12. Review status: criteria provided, single submitter. Criteria: Bayesian ACMG Guidelines, 2018. Collection method: curation. Allele origin: unknown. Affected: yes.
Comment: Decreased activity in red blood cells (PS3). Not found in gnomAD (PM2). Post_P 0.949 (odds of pathogenicity 168.4, Prior_P 0.1).

OMIM
Classification: other for G6PD SERRES. Last evaluated: 2024-10-11. Review status: no assertion criteria provided. Collection method: literature only. Allele origin: germline. Not counted in ClinVar's aggregate classification.

OMIM
Classification: Pathogenic for ANEMIA, CONGENITAL, NONSPHEROCYTIC HEMOLYTIC, 1. Last evaluated: 2024-10-11. Review status: no assertion criteria provided. Collection method: literature only. Allele origin: germline. Not counted in ClinVar's aggregate classification.

Literature cited by the submitters: PubMed 9674740 (cited by Dunham Lab, University of Washington); Vulliamy, T. J. Personal Communication. 1989. London, England (cited by OMIM).

NM_000402.4(G6PD):c.1172C>T (p.Ala391Val)

Gene: G6PD (glucose-6-phosphate dehydrogenase; minus strand). Cytogenetic location: Xq28.
Variant type: single nucleotide variant.
Coding change: c.1172C>T on transcript NM_000402.4; coding-DNA position 1172, C replaced by T.
Protein change: p.Ala391Val; replaces alanine 391 with valine.
Molecular consequence: missense variant.
Genome position (GRCh38, 1-based): chrX:154,532,772, G>A on the plus strand (C>T on the coding strand, the complement: G6PD is on the minus strand). VCF-style: chrX-154532772-G-A. GRCh37 (hg19) VCF-style: chrX-153760987-G-A.
Other names: G6PD, ALA361VAL; G6PD Serres; c.1082C>T, p.Ala361Val (NM_001042351.3, NM_001360016.2); short protein forms A361V, A391V.
Identifiers: ClinVar variation 10410 (VCV000010410.6), dbSNP rs137852345, ClinGen allele CA121039.